The following is an entry in ClinVar:

ClinVar aggregate classification (germline): Uncertain significance. Review status: criteria provided, multiple submitters, no conflicts (2 of 4 stars). 2 submissions from 2 submitters: Uncertain significance (2). Last evaluated 2025-11-12.

Conditions:
Amyotrophic lateral sclerosis type 21. Also called: MYOPATHY, DISTAL, 2; VOCAL CORD AND PHARYNGEAL DYSFUNCTION WITH DISTAL MYOPATHY. Identifiers: Orphanet 600, Orphanet 803, MedGen C3807521, MONDO:0011632, OMIM 606070.
Inborn genetic diseases. Identifiers: MedGen C0950123, MeSH D030342.

Allele frequency attached by ClinVar (database versions not stated): gnomAD exomes 0.00004.
gnomAD v4.1: 32 of 1,612,444 alleles (0.002%); highest among the groups gnomAD compares: Non-Finnish European, 0.0026%; no homozygotes.

Submissions (2):

Labcorp Genetics (formerly Invitae), Labcorp
Classification: Uncertain significance for Amyotrophic lateral sclerosis type 21. Last evaluated: 2025-11-12. Review status: criteria provided, single submitter. Criteria: Invitae Variant Classification Sherloc (09022015). Collection method: clinical testing. Allele origin: germline.
Comment: This sequence change replaces serine, which is neutral and polar, with asparagine, which is neutral and polar, at codon 533 of the MATR3 protein (p.Ser533Asn). This variant is not present in population databases (gnomAD no frequency). This variant has not been reported in the literature in individuals affected with MATR3-related conditions. ClinVar contains an entry for this variant (Variation ID: 578420). Invitae Evidence Modeling of protein sequence and biophysical properties (such as structural, functional, and spatial information, amino acid conservation, physicochemical variation, residue mobility, and thermodynamic stability) indicates that this missense variant is not expected to disrupt MATR3 protein function with a negative predictive value of 80%. In summary, the available evidence is currently insufficient to determine the role of this variant in disease. Therefore, it has been classified as a Variant of Uncertain Significance.

Ambry Genetics
Classification: Uncertain significance for Inborn genetic diseases. Last evaluated: 2025-08-04. Review status: criteria provided, single submitter. Criteria: Ambry Variant Classification Scheme 2023. Collection method: clinical testing. Allele origin: germline.

NM_018834.6(MATR3):c.1598G>A (p.Ser533Asn)

Gene: MATR3 (matrin 3; plus strand). Cytogenetic location: 5q31.2.
Variant type: single nucleotide variant.
Coding change: c.1598G>A on transcript NM_018834.6 (MANE Select); coding-DNA position 1598, G replaced by A.
Protein change: p.Ser533Asn; replaces serine 533 with asparagine.
Molecular consequence: missense variant.
Genome position (GRCh38, 1-based): chr5:139,319,497, G>A. VCF-style: chr5-139319497-G-A. GRCh37 (hg19) VCF-style: chr5-138655186-G-A.
Other names: c.1598G>A, p.Ser533Asn (NM_001194954.2, NM_001194955.2, NM_199189.3); c.734G>A, p.Ser245Asn (NM_001194956.2); c.584G>A, p.Ser195Asn (NM_001282278.2); short protein forms S533N, S195N, S245N.
Identifiers: ClinVar variation 578420 (VCV000578420.10), dbSNP rs1033118784, ClinGen allele CA128235436.